The following is an entry in ClinVar:

ClinVar aggregate classification (germline): Uncertain significance (1 of 4 stars; one submission).

Conditions:
Cone-rod dystrophy 13 (CORD13). Identifiers: Orphanet 1872, MedGen C2750720, MONDO:0011987, OMIM 608194.
Leber congenital amaurosis 6 (LCA6). Identifiers: Orphanet 65, MedGen C1854260, MONDO:0013446, OMIM 613826.

Submission:

Labcorp Genetics (formerly Invitae), Labcorp
Classification: Uncertain significance for Leber congenital amaurosis 6; Cone-rod dystrophy 13. Last evaluated: 2024-02-19. Review status: criteria provided, single submitter. Criteria: Invitae Variant Classification Sherloc (09022015). Collection method: clinical testing. Allele origin: germline.
Comment: This sequence change falls in intron 3 of the RPGRIP1 gene. It does not directly change the encoded amino acid sequence of the RPGRIP1 protein. It affects a nucleotide within the consensus splice site. This variant is not present in population databases (gnomAD no frequency). This variant has not been reported in the literature in individuals affected with RPGRIP1-related conditions. ClinVar contains an entry for this variant (Variation ID: 1364644). Variants that disrupt the consensus splice site are a relatively common cause of aberrant splicing (PMID: 17576681, 9536098). Algorithms developed to predict the effect of sequence changes on RNA splicing suggest that this variant is not likely to affect RNA splicing. In summary, the available evidence is currently insufficient to determine the role of this variant in disease. Therefore, it has been classified as a Variant of Uncertain Significance.

Literature cited by the submitters: PubMed 17576681; PubMed 9536098.

NM_020366.4(RPGRIP1):c.490+3G>A

Gene: RPGRIP1 (RPGR interacting protein 1; plus strand). Cytogenetic location: 14q11.2.
Variant type: single nucleotide variant.
Coding change: c.490+3G>A on transcript NM_020366.4 (MANE Select); 3 bases into the intron after coding-DNA position 490, G replaced by A.
Molecular consequence: intron variant.
Genome position (GRCh38, 1-based): chr14:21,301,240, G>A. VCF-style: chr14-21301240-G-A. GRCh37 (hg19) VCF-style: chr14-21769399-G-A.
Identifiers: ClinVar variation 1364644 (VCV001364644.6), dbSNP rs2139156922, ClinGen allele CA2573149725.